The following is an entry in ClinVar:

ClinVar aggregate classification (germline): Uncertain significance (1 of 4 stars; one submission).

Conditions:
Propionic acidemia (PROP). Also called: GLYCINEMIA, KETOTIC; HYPERGLYCINEMIA WITH KETOACIDOSIS AND LEUKOPENIA; KETOTIC HYPERGLYCINEMIA. Identifiers: Orphanet 35, MedGen C0268579, MONDO:0011628, OMIM 606054, HP:0003571.

gnomAD v4.1: 4 of 1,613,950 alleles (0.00025%); highest among the groups gnomAD compares: Non-Finnish European, 0.00034%; no homozygotes.

Submission:

Labcorp Genetics (formerly Invitae), Labcorp
Classification: Uncertain significance for Propionic acidemia. Last evaluated: 2022-08-01. Review status: criteria provided, single submitter. Criteria: Invitae Variant Classification Sherloc (09022015). Collection method: clinical testing. Allele origin: germline.
Comment: This sequence change replaces histidine, which is basic and polar, with glutamine, which is neutral and polar, at codon 384 of the PCCA protein (p.His384Gln). In summary, the available evidence is currently insufficient to determine the role of this variant in disease. Therefore, it has been classified as a Variant of Uncertain Significance. Algorithms developed to predict the effect of missense changes on protein structure and function are either unavailable or do not agree on the potential impact of this missense change (SIFT: "Tolerated"; PolyPhen-2: "Possibly Damaging"; Align-GVGD: "Class C0"). This variant has not been reported in the literature in individuals affected with PCCA-related conditions. This variant is not present in population databases (gnomAD no frequency).

NM_000282.4(PCCA):c.1152C>A (p.His384Gln)

Gene: PCCA (propionyl-CoA carboxylase subunit alpha; plus strand). Cytogenetic location: 13q32.3.
Variant type: single nucleotide variant.
Coding change: c.1152C>A on transcript NM_000282.4 (MANE Select); coding-DNA position 1152, C replaced by A.
Protein change: p.His384Gln; replaces histidine 384 with glutamine.
Molecular consequence: missense variant. On other transcripts: non-coding transcript variant (5), intron variant (3).
Genome position (GRCh38, 1-based): chr13:100,301,546, C>A. VCF-style: chr13-100301546-C-A. GRCh37 (hg19) VCF-style: chr13-100953800-C-A.
Other names: c.1074C>A, p.His358Gln (NM_001127692.3, NM_001352607.2); c.1152C>A, p.His384Gln (NM_001178004.2, NM_001352605.2, NM_001352609.2); c.207C>A, p.His69Gln (NM_001352610.2, NM_001352611.2); c.1066-1378C>A (NM_001352606.2); c.121-1378C>A (NM_001352612.2); c.988-1378C>A (NM_001352608.2); short protein forms H358Q, H69Q, H384Q.
Identifiers: ClinVar variation 2069132 (VCV002069132.4), dbSNP rs921665208, ClinGen allele CA255987364.
Genomic context (GRCh38, chr13:100,301,546, plus strand): 5'-TACTGGCCTGGACCTAGTCCAGGAAATGATCCGTGTTGCTAAGGGCTACCCTCTCAGGCA[C>A]AAACAAGCTGATATTCGCATCAACGGCTGGGCAGTTGAATGTCGGGTTTATGCTGAGGTA-3'
Protein context (NP_000273.2, residues 374-394): IRVAKGYPLR[His384Gln]KQADIRINGW